The following is an entry in ClinVar:

ClinVar aggregate classification (germline): Uncertain significance (1 of 4 stars; one submission).

Conditions:
Inborn genetic diseases. Identifiers: MedGen C0950123, MeSH D030342.

Submission:

Ambry Genetics
Classification: Uncertain significance for Inborn genetic diseases. Last evaluated: 2025-06-04. Review status: criteria provided, single submitter. Criteria: Ambry Variant Classification Scheme 2023. Collection method: clinical testing. Allele origin: germline.
Comment: The p.S729G variant (also known as c.2185A>G), located in coding exon 13 of the ASXL1 gene, results from an A to G substitution at nucleotide position 2185. The serine at codon 729 is replaced by glycine, an amino acid with similar properties. This amino acid position is conserved. In addition, this alteration is predicted to be tolerated by in silico analysis. Based on the available evidence, the clinical significance of this variant remains unclear.

NM_015338.6(ASXL1):c.2185A>G (p.Ser729Gly)

Gene: ASXL1 (ASXL transcriptional regulator 1; plus strand). Cytogenetic location: 20q11.21.
Variant type: single nucleotide variant.
Coding change: c.2185A>G on transcript NM_015338.6 (MANE Select); coding-DNA position 2185, A replaced by G.
Protein change: p.Ser729Gly; replaces serine 729 with glycine.
Molecular consequence: missense variant.
Genome position (GRCh38, 1-based): chr20:32,434,897, A>G. VCF-style: chr20-32434897-A-G. GRCh37 (hg19) VCF-style: chr20-31022700-A-G.
Other names: c.2002A>G, p.Ser668Gly (NM_001363734.1); short protein forms S729G, S668G.
Identifiers: ClinVar variation 3957597 (VCV003957597.1).